The following is an entry in ClinVar:

NM_002778.4(PSAP):c.293C>T (p.Pro98Leu)

Gene: PSAP (prosaposin; minus strand). Cytogenetic location: 10q22.1.
Variant type: single nucleotide variant.
Coding change: c.293C>T on transcript NM_002778.4 (MANE Select); coding-DNA position 293, C replaced by T.
Protein change: p.Pro98Leu; replaces proline 98 with leucine.
Molecular consequence: missense variant.
Genome position (GRCh38, 1-based): chr10:71,831,208, G>A on the plus strand (C>T on the coding strand, the complement: PSAP is on the minus strand). VCF-style: chr10-71831208-G-A. GRCh37 (hg19) VCF-style: chr10-73590965-G-A.
Other names: c.293C>T (NM_002778.2); c.293C>T, p.Pro98Leu (NM_001042465.3, NM_001042466.3); short protein forms P98L.
Identifiers: ClinVar variation 2079804 (VCV002079804.3), dbSNP rs372856811, ClinGen allele CA5547808.

ClinVar aggregate classification (germline): Uncertain significance. Review status: criteria provided, multiple submitters, no conflicts (2 of 4 stars). 3 submissions from 3 submitters: Uncertain significance (3). Last evaluated 2025-04-08.

Conditions:
Sphingolipid activator protein 1 deficiency. Also called: Saposin B Deficiency; METACHROMATIC LEUKODYSTROPHY DUE TO CEREBROSIDE SULFATASE ACTIVATOR DEFICIENCY; Metachromatic leukodystrophy due to saposin B deficiency. Identifiers: Orphanet 512, MedGen C0268262, MONDO:0009590, OMIM 249900.
Inborn genetic diseases. Identifiers: MedGen C0950123, MeSH D030342.

Allele frequency attached by ClinVar (database versions not stated): ExAC 0.00003; TOPMed 0.00003; ESP Exome Variant Server 0.00008; gnomAD 0.00011.
gnomAD v4.1: 68 of 1,613,908 alleles (0.0042%); highest among the groups gnomAD compares: Middle Eastern, 0.016%; no homozygotes.

Submissions (3):

GeneDx
Classification: Uncertain significance. Last evaluated: 2025-04-08. Review status: criteria provided, single submitter. Criteria: GeneDx Variant Classification Process June 2021. Collection method: clinical testing. Allele origin: germline. Affected: yes.
Comment: Not observed at significant frequency in large population cohorts (gnomAD); In silico analysis supports that this missense variant has a deleterious effect on protein structure/function; Has not been previously published as pathogenic or benign to our knowledge

Ambry Genetics
Classification: Uncertain significance for Inborn genetic diseases. Last evaluated: 2023-11-16. Review status: criteria provided, single submitter. Criteria: Ambry Variant Classification Scheme 2023. Collection method: clinical testing. Allele origin: germline.

Labcorp Genetics (formerly Invitae), Labcorp
Classification: Uncertain significance for Sphingolipid activator protein 1 deficiency. Last evaluated: 2022-08-19. Review status: criteria provided, single submitter. Criteria: Invitae Variant Classification Sherloc (09022015). Collection method: clinical testing. Allele origin: germline.
Comment: This sequence change replaces proline, which is neutral and non-polar, with leucine, which is neutral and non-polar, at codon 98 of the PSAP protein (p.Pro98Leu). This variant is present in population databases (rs372856811, gnomAD 0.01%). This variant has not been reported in the literature in individuals affected with PSAP-related conditions. Algorithms developed to predict the effect of missense changes on protein structure and function are either unavailable or do not agree on the potential impact of this missense change (SIFT: "Not Available"; PolyPhen-2: "Probably Damaging"; Align-GVGD: "Not Available"). In summary, the available evidence is currently insufficient to determine the role of this variant in disease. Therefore, it has been classified as a Variant of Uncertain Significance.